The following is an entry in ClinVar:

NM_000277.3(PAH):c.749C>T (p.Ser250Phe)

Gene: PAH (phenylalanine hydroxylase; minus strand). Cytogenetic location: 12q23.2.
Variant type: single nucleotide variant.
Coding change: c.749C>T on transcript NM_000277.3 (MANE Select); coding-DNA position 749, C replaced by T.
Protein change: p.Ser250Phe; replaces serine 250 with phenylalanine.
Molecular consequence: missense variant.
Genome position (GRCh38, 1-based): chr12:102,852,908, G>A on the plus strand (C>T on the coding strand, the complement: PAH is on the minus strand). VCF-style: chr12-102852908-G-A. GRCh37 (hg19) VCF-style: chr12-103246686-G-A.
Other names: NM_001354304.2:c.749C>T; c.749C>T, p.Ser250Phe (NM_001354304.2); short protein forms S250F.
Identifiers: ClinVar variation 4857330 (VCV004857330.1).
Genomic context (GRCh38, chr12:102,852,908, plus strand): 5'-CTGATGTACTGTGTGCAGTGGAAGACTCGGAAGGCCAGGCCACCCAAGAAATCCCGAGAG[G>A]AAAGCAGGCCAGCCACAGGTCGGAGGCGGAAACCAGTGCAAGCTGGGATGAAAAGAAGAA-3'
Protein context (NP_000268.1, residues 240-260): FRLRPVAGLL[Ser250Phe]SRDFLGGLAF

ClinVar aggregate classification (germline): Likely pathogenic (3 of 4 stars; one submission).

Conditions:
Phenylketonuria (PKU). Also called: FOLLING DISEASE; OLIGOPHRENIA PHENYLPYRUVICA; Phenylketonurias; Phenylketonuria (PKU). Identifiers: Orphanet 716, MedGen C0031485, MONDO:0009861, OMIM 261600. Disease mechanism: loss of function.

Submission:

ClinGen PAH Variant Curation Expert Panel
Classification: Likely pathogenic for Phenylketonuria. Last evaluated: 2026-04-15. Review status: reviewed by expert panel. Criteria: ClinGen PAH ACMG Specifications PAH V2.0.0. Collection method: curation. Allele origin: germline. Inheritance: Autosomal recessive inheritance.
Comment: The c.749C>T variant in PAH is a missense variant predicted to cause substitution of serine by phenylalanine at amino acid 250 (p.Ser250Phe). At least one patient with this variant displayed plasma phenylalanine concentration persistently above 120umol/L (2mg/dL), which is highly specific for PAH deficiency (PMID: 28982351). This individual was compound heterozygous for the variant and a variant of uncertain significance confirmed in trans by parental testing (0.25 PM3 points, PM3 does not apply). This variant is absent from gnomAD v4.1.0 (PM2_Supporting). This variant resides within a region, amino acids 246-266, of PAH that is defined as a critical functional domain by the ClinGen PAH Variant Curation Expert Panel (PM1). The computational predictor REVEL gives a score of 0.938, which is above the threshold of 0.644, evidence that correlates with deleterious impact to PAH function; as PM1 is applied PP3 will be applied at the moderate level as not to exceed strong (PP3_moderate). In summary, this variant meets the criteria to be classified as Likely pathogenic for autosomal recessive PAH deficiency based on the ACMG/AMP criteria applied, as specified by the ClinGen PAH Variant Curation Expert Panel: PM1, PP3_moderate, PP4, PM2_supporting (PAH VCEP specifications version 2.0.0; approved July 16, 2024).